The following is an entry in ClinVar:

ClinVar aggregate classification (germline): Uncertain significance (1 of 4 stars; one submission).

gnomAD v4.1: 10 of 1,605,028 alleles (0.00062%); highest among the groups gnomAD compares: South Asian, 0.01%; no homozygotes.

Submission:

Ambry Genetics
Classification: Uncertain significance. Last evaluated: 2026-03-19. Review status: criteria provided, single submitter. Criteria: Ambry Variant Classification Scheme 2023. Collection method: clinical testing. Allele origin: germline.
Comment: The c.119G>A (p.G40D) alteration is located in exon 3 (coding exon 2) of the ADNP2 gene. This alteration results from a G to A substitution at nucleotide position 119, causing the glycine (G) at amino acid position 40 to be replaced by an aspartic acid (D). Based on data from gnomAD, the A allele has an overall frequency of 0.001% (3/244660) total alleles studied. The highest observed frequency was 0.011% (3/28372) of South Asian alleles. Based on insufficient or conflicting evidence, the clinical significance of this alteration remains unclear.

NM_014913.4(ADNP2):c.119G>A (p.Gly40Asp)

Gene: ADNP2 (ADNP homeobox 2; plus strand). Cytogenetic location: 18q23.
Variant type: single nucleotide variant.
Coding change: c.119G>A on transcript NM_014913.4 (MANE Select); coding-DNA position 119, G replaced by A.
Protein change: p.Gly40Asp; replaces glycine 40 with aspartic acid.
Molecular consequence: missense variant.
Genome position (GRCh38, 1-based): chr18:80,133,113, G>A. VCF-style: chr18-80133113-G-A. GRCh37 (hg19) VCF-style: chr18-77890996-G-A.
Other names: short protein forms G40D.
Identifiers: ClinVar variation 4868075 (VCV004868075.1).